The following is an entry in ClinVar:

NM_015102.5(NPHP4):c.452+1G>A

Gene: NPHP4 (nephrocystin 4; minus strand). Cytogenetic location: 1p36.31.
Variant type: single nucleotide variant.
Coding change: c.452+1G>A on transcript NM_015102.5 (MANE Select); the canonical splice donor site of the intron after coding-DNA position 452, G replaced by A.
Molecular consequence: splice donor variant.
Genome position (GRCh38, 1-based): chr1:5,969,086, C>T on the plus strand (G>A on the coding strand, the complement: NPHP4 is on the minus strand). VCF-style: chr1-5969086-C-T. GRCh37 (hg19) VCF-style: chr1-6029146-C-T.
Other names: c.-915+1G>A (NM_001291594.2); c.-778+1G>A (NM_001291593.2).
Identifiers: ClinVar variation 2819948 (VCV002819948.3), dbSNP rs1195128294, ClinGen allele CA338050017.
Genomic context (GRCh38, chr1:5,969,086, plus strand): 5'-CAAAAAAAAAAAAAAAGACAGACGCTGGAAAACCCCAGGGTTGTAGAAACAAGGCAGGTA[C>T]CTTTTGTCCTGGGAAGCAGAGATAGGAGAGTCCGGCTGGTTGCTGAAGATCCGAAGAATT-3'

ClinVar aggregate classification (germline): Likely pathogenic (1 of 4 stars; one submission).

Conditions:
Nephronophthisis. Also called: Juvenile Nephronophthisis. Identifiers: Orphanet 655, MedGen C0687120, MONDO:0019005, HP:0000090.

gnomAD v4.1: 1 of 1,545,132 alleles (0.000065%); highest among the groups gnomAD compares: South Asian, 0.0012%; no homozygotes.

Submission:

Labcorp Genetics (formerly Invitae), Labcorp
Classification: Likely pathogenic for Nephronophthisis. Last evaluated: 2022-12-10. Review status: criteria provided, single submitter. Criteria: Invitae Variant Classification Sherloc (09022015). Collection method: clinical testing. Allele origin: germline.
Comment: In summary, the currently available evidence indicates that the variant is pathogenic, but additional data are needed to prove that conclusively. Therefore, this variant has been classified as Likely Pathogenic. Algorithms developed to predict the effect of sequence changes on RNA splicing suggest that this variant may disrupt the consensus splice site. This variant has not been reported in the literature in individuals affected with NPHP4-related conditions. This variant is not present in population databases (gnomAD no frequency). This sequence change affects a donor splice site in intron 4 of the NPHP4 gene. It is expected to disrupt RNA splicing. Variants that disrupt the donor or acceptor splice site typically lead to a loss of protein function (PMID: 16199547), and loss-of-function variants in NPHP4 are known to be pathogenic (PMID: 12205563, 23559409).

Literature cited by the submitters: PubMed 16199547; PubMed 12205563; PubMed 23559409.